The following is an entry in ClinVar:

ClinVar aggregate classification (germline): Likely pathogenic (1 of 4 stars; one submission).

Conditions:
Congenital microcephaly - severe encephalopathy - progressive cerebral atrophy syndrome. Also called: ASNS DEFICIENCY; Asparagine synthetase deficiency. Identifiers: Orphanet 391376, MedGen C3809971, MONDO:0014258, OMIM 615574.

Submission:

Natera, Inc.
Classification: Likely pathogenic for Asparagine synthetase deficiency. Last evaluated: 2024-11-19. Review status: criteria provided, single submitter. Criteria: Natera Variant Classification Schema (03/2026). Collection method: clinical testing. Allele origin: germline.
Comment: The c.201T>G variant in ASNS is a nonsense variant predicted to introduce a stop codon at amino acid 67. This variant is expected to result in nonsense mediated decay, truncation, or a dysfunctional protein product. This variant is rare in the general population with a frequency below the threshold expected for the associated phenotype(s). Given the available evidence, this variant is classified as Likely Pathogenic.

NM_001673.5(ASNS):c.201T>G (p.Tyr67Ter)

Genes: ASNS (asparagine synthetase (glutamine-hydrolyzing); minus strand), CZ1P-ASNS (CZ1P-ASNS readthrough; minus strand). Cytogenetic location: 7q21.3.
Variant type: single nucleotide variant.
Coding change: c.201T>G on transcript NM_001673.5 (MANE Select); coding-DNA position 201, T replaced by G.
Protein change: p.Tyr67Ter; replaces tyrosine 67 with a stop codon.
Molecular consequence: nonsense. On other transcripts: intron variant (2), non-coding transcript variant (1).
Genome position (GRCh38, 1-based): chr7:97,868,956, A>C on the plus strand (T>G on the coding strand, the complement: ASNS is on the minus strand). VCF-style: chr7-97868956-A-C. GRCh37 (hg19) VCF-style: chr7-97498268-A-C.
Other names: c.-1+3395T>G (NM_001178076.2); c.-1+3085T>G (NM_001178077.1); c.138T>G, p.Tyr46Ter (NM_001178075.2); c.201T>G, p.Tyr67Ter (NM_001352496.2, NM_133436.3, NM_183356.4); short protein forms Y46*, Y67*.
Identifiers: ClinVar variation 4816504 (VCV004816504.1).